The following is an entry in ClinVar:

ClinVar aggregate classification (germline): Uncertain significance. Review status: criteria provided, multiple submitters, no conflicts (2 of 4 stars). 4 submissions from 4 submitters: Uncertain significance (4). Last evaluated 2025-12-15.

Conditions:
Hereditary cancer-predisposing syndrome. Also called: Hereditary neoplastic syndrome; Neoplastic Syndromes, Hereditary; Tumor predisposition; Hereditary Cancer Syndrome. Identifiers: Orphanet 140162, MedGen C0027672, MeSH D009386, MONDO:0015356.
Breast-ovarian cancer, familial, susceptibility to, 4. Identifiers: Orphanet 145, MedGen C3280345, MONDO:0013669, OMIM 614291.

Allele frequency attached by ClinVar (database versions not stated): gnomAD exomes below 0.00001; ExAC 0.00001; gnomAD 0.00001; TOPMed 0.00001; ESP Exome Variant Server 0.00008.
gnomAD v4.1: 2 of 1,613,912 alleles (0.00012%); highest among the groups gnomAD compares: African/African-American, 0.0027%; no homozygotes.

Submissions (4):

Color Diagnostics, LLC DBA Color Health
Classification: Uncertain significance for Hereditary cancer-predisposing syndrome. Last evaluated: 2025-12-15. Review status: criteria provided, single submitter. Criteria: ACMG Guidelines, 2015. Collection method: clinical testing. Allele origin: germline.
Comment: This missense variant replaces aspartic acid with alanine at codon 256 of the RAD51D protein. Computational prediction suggests that this variant may not impact protein structure and function. To our knowledge, functional studies have not been reported for this variant. This variant has not been reported in individuals affected with RAD51D-related disorders in the literature. This variant has been identified in 2/1613912 chromosomes in the general population by the Genome Aggregation Database (gnomAD). The available evidence is insufficient to determine the role of this variant in disease conclusively. Therefore, this variant is classified as a Variant of Uncertain Significance.

Labcorp Genetics (formerly Invitae), Labcorp
Classification: Uncertain significance for Breast-ovarian cancer, familial, susceptibility to, 4. Last evaluated: 2025-08-18. Review status: criteria provided, single submitter. Criteria: Invitae Variant Classification Sherloc (09022015). Collection method: clinical testing. Allele origin: germline.
Comment: This sequence change replaces aspartic acid, which is acidic and polar, with alanine, which is neutral and non-polar, at codon 256 of the RAD51D protein (p.Asp256Ala). This variant is present in population databases (rs371350110, gnomAD 0.007%). This variant has not been reported in the literature in individuals affected with RAD51D-related conditions. ClinVar contains an entry for this variant (Variation ID: 246302). Invitae Evidence Modeling of protein sequence and biophysical properties (such as structural, functional, and spatial information, amino acid conservation, physicochemical variation, residue mobility, and thermodynamic stability) indicates that this missense variant is not expected to disrupt RAD51D protein function with a negative predictive value of 80%. In summary, the available evidence is currently insufficient to determine the role of this variant in disease. Therefore, it has been classified as a Variant of Uncertain Significance.

Ambry Genetics
Classification: Uncertain significance for Hereditary cancer-predisposing syndrome. Last evaluated: 2023-08-29. Review status: criteria provided, single submitter. Criteria: Ambry Variant Classification Scheme 2023. Collection method: clinical testing. Allele origin: germline.
Comment: The p.D256A variant (also known as c.767A>C), located in coding exon 9 of the RAD51D gene, results from an A to C substitution at nucleotide position 767. The aspartic acid at codon 256 is replaced by alanine, an amino acid with dissimilar properties. This amino acid position is well conserved in available vertebrate species. In addition, this alteration is predicted to be tolerated by in silico analysis. Since supporting evidence is limited at this time, the clinical significance of this alteration remains unclear.

GeneDx
Classification: Uncertain significance. Last evaluated: 2016-01-05. Review status: criteria provided, single submitter. Criteria: GeneDx Variant Classification (06012015). Collection method: clinical testing. Allele origin: germline. Affected: yes.
Comment: This variant is denoted RAD51D c.767A>C at the cDNA level, p.Asp256Ala (D256A) at the protein level, and results in the change of an Aspartic Acid to an Alanine (GAC>GCC). This variant has not, to our knowledge, been published in the literature as pathogenic or benign. RAD51D Asp256Ala was not observed at a significant allele frequency in the NHLBI Exome Sequencing Project. Since Aspartic Acid and Alanine differ in polarity, charge, size or other properties, this is considered a non-conservative amino acid substitution. RAD51D Asp256Ala occurs at a position that is conserved in mammals and is located in the ATPase domain (Kim 2011). In silico analyses are inconsistent regarding the effect this variant may have on protein structure and function. Based on currently available evidence, it is unclear whether RAD51D Asp256Ala is a pathogenic or benign variant. We consider it to be a variant of uncertain significance.

NM_002878.4(RAD51D):c.767A>C (p.Asp256Ala)

Genes: RAD51D (RAD51 paralog D; minus strand), RAD51L3-RFFL (RAD51L3-RFFL readthrough; minus strand). Cytogenetic location: 17q12.
Variant type: single nucleotide variant.
Coding change: c.767A>C on transcript NM_002878.4 (MANE Select); coding-DNA position 767, A replaced by C.
Protein change: p.Asp256Ala; replaces aspartic acid 256 with alanine.
Molecular consequence: missense variant. On other transcripts: non-coding transcript variant (3).
Genome position (GRCh38, 1-based): chr17:35,101,337, T>G on the plus strand (A>C on the coding strand, the complement: RAD51D is on the minus strand). VCF-style: chr17-35101337-T-G. GRCh37 (hg19) VCF-style: chr17-33428356-T-G.
Other names: c.827A>C, p.Asp276Ala (NM_001142571.2); c.431A>C, p.Asp144Ala (NM_133629.3); short protein forms D256A, D144A, D276A.
Identifiers: ClinVar variation 246302 (VCV000246302.11), dbSNP rs371350110, ClinGen allele CA8499348.